The following is an entry in ClinVar:

ClinVar aggregate classification (germline): Uncertain significance. Review status: criteria provided, multiple submitters, no conflicts (2 of 4 stars). 3 submissions from 3 submitters: Uncertain significance (3). Last evaluated 2024-12-24.

Conditions:
DICER1-related tumor predisposition. Also called: DICER1-related pleuropulmonary blastoma cancer predisposition syndrome; DICER1 syndrome. Identifiers: Orphanet 284343, MedGen C3839822, MONDO:0100216.
Global developmental delay - lung cysts - overgrowth - Wilms tumor syndrome. Also called: GLOW Syndrome; GLOBAL DEVELOPMENTAL DELAY, LUNG CYSTS, OVERGROWTH, AND WILMS TUMOR. Identifiers: Orphanet 404476, MedGen C4748924, MONDO:0018445, OMIM 618272.
Hereditary cancer-predisposing syndrome. Also called: Neoplastic Syndromes, Hereditary; Tumor predisposition; Hereditary Cancer Syndrome; Hereditary neoplastic syndrome. Identifiers: Orphanet 140162, MedGen C0027672, MeSH D009386, MONDO:0015356.

Submissions (3):

Labcorp Genetics (formerly Invitae), Labcorp
Classification: Uncertain significance for DICER1-related tumor predisposition. Last evaluated: 2024-12-24. Review status: criteria provided, single submitter. Criteria: Invitae Variant Classification Sherloc (09022015). Collection method: clinical testing. Allele origin: germline.
Comment: This sequence change replaces glutamine, which is neutral and polar, with arginine, which is basic and polar, at codon 108 of the DICER1 protein (p.Gln108Arg). This variant is not present in population databases (gnomAD no frequency). This variant has not been reported in the literature in individuals affected with DICER1-related conditions. ClinVar contains an entry for this variant (Variation ID: 567950). Invitae Evidence Modeling of protein sequence and biophysical properties (such as structural, functional, and spatial information, amino acid conservation, physicochemical variation, residue mobility, and thermodynamic stability) indicates that this missense variant is not expected to disrupt DICER1 protein function with a negative predictive value of 95%. In summary, the available evidence is currently insufficient to determine the role of this variant in disease. Therefore, it has been classified as a Variant of Uncertain Significance.

Ambry Genetics
Classification: Uncertain significance for Hereditary cancer-predisposing syndrome. Last evaluated: 2023-11-16. Review status: criteria provided, single submitter. Criteria: Ambry Variant Classification Scheme 2023. Collection method: clinical testing. Allele origin: germline.
Comment: The p.Q108R variant (also known as c.323A>G), located in coding exon 3 of the DICER1 gene, results from an A to G substitution at nucleotide position 323. The glutamine at codon 108 is replaced by arginine, an amino acid with highly similar properties. This amino acid position is highly conserved in available vertebrate species. In addition, this alteration is predicted to be deleterious by in silico analysis. Since supporting evidence is limited at this time, the clinical significance of this alteration remains unclear.

Baylor Genetics
Classification: Uncertain significance for Global developmental delay - lung cysts - overgrowth - Wilms tumor syndrome. Last evaluated: 2023-05-12. Review status: criteria provided, single submitter. Criteria: ACMG Guidelines, 2015. Collection method: clinical testing. Allele origin: unknown.

NM_177438.3(DICER1):c.323A>G (p.Gln108Arg)

Gene: DICER1 (dicer 1, ribonuclease III; minus strand). Cytogenetic location: 14q32.13.
Variant type: single nucleotide variant.
Coding change: c.323A>G on transcript NM_177438.3 (MANE Select); coding-DNA position 323, A replaced by G.
Protein change: p.Gln108Arg; replaces glutamine 108 with arginine.
Molecular consequence: missense variant.
Genome position (GRCh38, 1-based): chr14:95,131,624, T>C on the plus strand (A>G on the coding strand, the complement: DICER1 is on the minus strand). VCF-style: chr14-95131624-T-C. GRCh37 (hg19) VCF-style: chr14-95597961-T-C.
Other names: c.323A>G, p.Gln108Arg (NM_001195573.1, NM_001271282.3, NM_001291628.2 and 1 more transcripts); short protein forms Q108R.
Identifiers: ClinVar variation 567950 (VCV000567950.13), dbSNP rs1566813997, ClinGen allele CA390889433.